The following is an entry in ClinVar:

ClinVar aggregate classification (germline): Conflicting classifications of pathogenicity. Review status: criteria provided, conflicting classifications (1 of 4 stars). 4 submissions from 4 submitters: Uncertain significance (3); Likely benign (1). Last evaluated 2026-01-05.

Conditions:
Joubert syndrome 21 (JBTS21). Identifiers: MedGen C3810212, MONDO:0014288, OMIM 615636.
Inborn genetic diseases. Identifiers: MedGen C0950123, MeSH D030342.

Allele frequency attached by ClinVar (database versions not stated): gnomAD exomes 0.00005 and 0.00003; ExAC 0.00008; 1000 Genomes Project 0.00020; 1000 Genomes Project 30x 0.00031; gnomAD 0.00007; TOPMed 0.00014.
gnomAD v4.1: 58 of 1,614,110 alleles (0.0036%); highest among the groups gnomAD compares: Middle Eastern, 0.066%; no homozygotes.

Submissions (5):

Labcorp Genetics (formerly Invitae), Labcorp
Classification: Uncertain significance for Joubert syndrome 21. Last evaluated: 2026-01-05. Review status: criteria provided, single submitter. Criteria: Invitae Variant Classification Sherloc (09022015). Collection method: clinical testing. Allele origin: germline.
Comment: This sequence change replaces valine, which is neutral and non-polar, with isoleucine, which is neutral and non-polar, at codon 1032 of the CSPP1 protein (p.Val1032Ile). This variant is present in population databases (rs200546493, gnomAD 0.01%). This variant has not been reported in the literature in individuals affected with CSPP1-related conditions. ClinVar contains an entry for this variant (Variation ID: 834148). An algorithm developed to predict the effect of missense changes on protein structure and function (PolyPhen-2) suggests that this variant is likely to be tolerated. In summary, the available evidence is currently insufficient to determine the role of this variant in disease. Therefore, it has been classified as a Variant of Uncertain Significance.

CeGaT Center for Human Genetics Tuebingen
Classification: Likely benign. Last evaluated: 2022-10-01. Review status: criteria provided, single submitter. Criteria: CeGaT Center For Human Genetics Tuebingen Variant Classification Criteria Version 2. Collection method: clinical testing. Allele origin: germline. Affected: yes. Observed: 2 variant alleles.
Comment: CSPP1: BP4

Ambry Genetics
Classification: Uncertain significance for Inborn genetic diseases. Last evaluated: 2021-11-19. Review status: criteria provided, single submitter. Criteria: Ambry Variant Classification Scheme 2023. Collection method: clinical testing. Allele origin: germline.
Comment: Occurs in the last base pair of the exon Based on insufficient or conflicting evidence, the clinical significance of this alteration remains unclear.

Baylor Genetics
Classification: Uncertain significance for Joubert syndrome 21. Last evaluated: 2019-08-08. Review status: criteria provided, single submitter. Criteria: ACMG Guidelines, 2015. Collection method: clinical testing. Allele origin: unknown. Affected: yes.
Comment: This variant was determined to be of uncertain significance according to ACMG Guidelines, 2015 [PMID:25741868].

Dr. Peter K. Rogan Lab, Western University
No classification provided (evidence only). Condition: Familial cancer of breast. Review status: no classification provided. Collection method: in vitro. Allele origin: not applicable. Functional consequence: retained intron. Not counted in ClinVar's aggregate classification.

NM_001382391.1(CSPP1):c.3109G>A (p.Val1037Ile)

Genes: ARFGEF1 (ARF guanine nucleotide exchange factor 1; minus strand), CSPP1 (centrosome and spindle pole associated protein 1; plus strand). Cytogenetic location: 8q13.2.
Variant type: single nucleotide variant.
Coding change: c.3109G>A on transcript NM_001382391.1 (MANE Select); coding-DNA position 3109, G replaced by A.
Protein change: p.Val1037Ile; replaces valine 1037 with isoleucine.
Molecular consequence: missense variant. On other transcripts: 3 prime UTR variant (2).
Genome position (GRCh38, 1-based): chr8:67,175,436, G>A. VCF-style: chr8-67175436-G-A. GRCh37 (hg19) VCF-style: chr8-68087671-G-A.
Other names: c.*119C>T (NM_001413186.1, NM_001413187.1); c.2059G>A, p.Val687Ile (NM_001291339.2); c.3028G>A, p.Val1010Ile (NM_001363131.2); c.2914G>A, p.Val972Ile (NM_001363132.2); c.2833G>A, p.Val945Ile (NM_001363133.2); c.3175G>A, p.Val1059Ile (NM_001364869.1); c.2995G>A, p.Val999Ile (NM_001364870.1); c.2941G>A, p.Val981Ile (NM_001438330.1); and 2 more; short protein forms V945I, V972I, V1059I, V1032I, V687I, V999I, V1010I, V1037I.
Identifiers: ClinVar variation 834148 (VCV000834148.32), dbSNP rs200546493, ClinGen allele CA4771023.
Genomic context (GRCh38, chr8:67,175,436, plus strand): 5'-GCCCTGCTAAGAGAGCAGCAGAAGAGGCTGAACAGAATAAAAATGCAGGAAGGTGCCAAA[G>A]GTAAGAAATAATCATTGCTGTGTCAAATAGTATCAGCACGCTGTTTTTCCGTAGGCTTTC-3'
Protein context (NP_001369320.1, residues 1027-1047): NRIKMQEGAK[Val1037Ile]DLDAIPSAKV